The following is an entry in ClinVar:

NM_001323289.2(CDKL5):c.1776_1777del (p.Ser593fs)

Gene: CDKL5 (cyclin dependent kinase like 5; plus strand). Cytogenetic location: Xp22.13.
Variant type: Deletion.
Coding change: c.1776_1777del on transcript NM_001323289.2 (MANE Select); coding-DNA positions 1776 to 1777, 2 bases deleted (TT; older notation c.1776_1777delTT).
Protein change: p.Ser593fs; shifts the reading frame from serine 593.
Molecular consequence: frameshift variant.
Genome position (GRCh38, 1-based): chrX:18,604,700-18,604,701, TT deleted; deleting any 2 consecutive bases within chrX:18,604,697-18,604,701 gives the same sequence; the c. name uses the placement nearest the transcript's 3' end. VCF-style (leftmost placement, unchanged base first): chrX-18604696-CTT-C. GRCh37 (hg19) VCF-style: chrX-18622816-CTT-C.
Other names: c.1776_1777delTT (NM_003159.2); c.1776_1777del, p.Ser593fs (NM_001037343.2, NM_003159.3); short protein forms S593fs.
Identifiers: ClinVar variation 422734 (VCV000422734.2), dbSNP rs1064793376, ClinGen allele CA16621278.

ClinVar aggregate classification (germline): Pathogenic (1 of 4 stars; one submission).

Submission:

GeneDx
Classification: Pathogenic. Last evaluated: 2016-12-23. Review status: criteria provided, single submitter. Criteria: GeneDx Variant Classification (06012015). Collection method: clinical testing. Allele origin: germline. Affected: yes.
Comment: The de novo c.1776_1777delTT variant has not been published as a pathogenic variant, nor has it been reported as a benign variant to our knowledge. It was not observed in approximately 6,500 individuals of European and African American ancestry in the NHLBI Exome Sequencing Project, indicating it is not a common benign variant in these populations. The c.1776_1777delTT variant causes a frameshift starting with codon Serine 593, changes this amino acid to a Leucine residue and creates a premature Stop codon at position 17 of the new reading frame, denoted p.Ser593LeufsX17. This variant is predicted to cause loss of normal protein function either through protein truncation or nonsense-mediated mRNA decay. This variant has been previously reported as a likely pathogenic variant, but has been reclassified as a pathogenic variant based on maternal and paternal testing.